The following is an entry in ClinVar:

ClinVar aggregate classification (germline): Uncertain significance (1 of 4 stars; one submission).

Submission:

Labcorp Genetics (formerly Invitae), Labcorp
Classification: Uncertain significance. Last evaluated: 2022-10-25. Review status: criteria provided, single submitter. Criteria: Invitae Variant Classification Sherloc (09022015). Collection method: clinical testing. Allele origin: germline.
Comment: This variant has not been reported in the literature in individuals affected with VCAN-related conditions. This sequence change replaces serine, which is neutral and polar, with tyrosine, which is neutral and polar, at codon 2156 of the VCAN protein (p.Ser2156Tyr). This variant is not present in population databases (gnomAD no frequency). ClinVar contains an entry for this variant (Variation ID: 1384690). Algorithms developed to predict the effect of missense changes on protein structure and function are either unavailable or do not agree on the potential impact of this missense change (SIFT: "Tolerated"; PolyPhen-2: "Possibly Damaging"; Align-GVGD: "Class C0"). In summary, the available evidence is currently insufficient to determine the role of this variant in disease. Therefore, it has been classified as a Variant of Uncertain Significance.

NM_004385.5(VCAN):c.6467C>A (p.Ser2156Tyr)

Genes: VCAN (versican; plus strand), VCAN-AS1 (VCAN antisense RNA 1; minus strand). Cytogenetic location: 5q14.3.
Variant type: single nucleotide variant.
Coding change: c.6467C>A on transcript NM_004385.5 (MANE Select); coding-DNA position 6467, C replaced by A.
Protein change: p.Ser2156Tyr; replaces serine 2156 with tyrosine.
Molecular consequence: missense variant. On other transcripts: intron variant (2).
Genome position (GRCh38, 1-based): chr5:83,539,470, C>A. VCF-style: chr5-83539470-C-A. GRCh37 (hg19) VCF-style: chr5-82835289-C-A.
Other names: c.3506C>A, p.Ser1169Tyr (NM_001164097.2); c.4004-6067C>A (NM_001164098.2); c.1043-6067C>A (NM_001126336.3); short protein forms S1169Y, S2156Y.
Identifiers: ClinVar variation 1384690 (VCV001384690.8), dbSNP rs2112444884, ClinGen allele CA360312627.